The following is an entry in ClinVar:

NM_000552.5(VWF):c.7090A>T (p.Lys2364Ter)

Gene: VWF (von Willebrand factor; minus strand). Cytogenetic location: 12p13.31.
Variant type: single nucleotide variant.
Coding change: c.7090A>T on transcript NM_000552.5 (MANE Select); coding-DNA position 7090, A replaced by T.
Protein change: p.Lys2364Ter; replaces lysine 2364 with a stop codon.
Molecular consequence: nonsense.
Genome position (GRCh38, 1-based): chr12:5,981,983, T>A on the plus strand (A>T on the coding strand, the complement: VWF is on the minus strand). VCF-style: chr12-5981983-T-A. GRCh37 (hg19) VCF-style: chr12-6091149-T-A.
Other names: short protein forms K2364*.
Identifiers: ClinVar variation 2572107 (VCV002572107.1), dbSNP rs1943611659, ClinGen allele CA383491362.

ClinVar aggregate classification (germline): Likely pathogenic (1 of 4 stars; one submission).

Conditions:
Thrombocytopenia. Identifiers: MedGen C0040034, MeSH D013921, MONDO:0002049, HP:0001873.

Submission:

ISTH-SSC Genomics in Thrombosis and Hemostasis, KU Leuven, Center for Molecular and Vascular Biology
Classification: Likely pathogenic for Thrombocytopenia. Review status: criteria provided, single submitter. Criteria: ACMG Guidelines, 2015. Collection method: clinical testing. Allele origin: germline. Affected: yes. Observed: 1 heterozygote.
Comment: Submitted to the GoldVariant database by Kathleen Freson, Center for Molecular and Vascular Biology